The following is an entry in ClinVar:

ClinVar aggregate classification (germline): Uncertain significance (1 of 4 stars; one submission).

Allele frequency attached by ClinVar (database versions not stated): gnomAD exomes below 0.00001.
gnomAD v4.1: 1 of 1,613,960 alleles (0.000062%); highest among the groups gnomAD compares: Non-Finnish European, 0.000085%; no homozygotes.

Submission:

Labcorp Genetics (formerly Invitae), Labcorp
Classification: Uncertain significance. Last evaluated: 2022-04-23. Review status: criteria provided, single submitter. Criteria: Invitae Variant Classification Sherloc (09022015). Collection method: clinical testing. Allele origin: germline.
Comment: In summary, the available evidence is currently insufficient to determine the role of this variant in disease. Therefore, it has been classified as a Variant of Uncertain Significance. Algorithms developed to predict the effect of sequence changes on RNA splicing suggest that this variant may create or strengthen a splice site. Algorithms developed to predict the effect of missense changes on protein structure and function (SIFT, PolyPhen-2, Align-GVGD) all suggest that this variant is likely to be tolerated. This variant has not been reported in the literature in individuals affected with TMTC3-related conditions. This variant is not present in population databases (gnomAD no frequency). This sequence change replaces aspartic acid, which is acidic and polar, with glycine, which is neutral and non-polar, at codon 816 of the TMTC3 protein (p.Asp816Gly).

NM_181783.4(TMTC3):c.2447A>G (p.Asp816Gly)

Gene: TMTC3 (transmembrane O-mannosyltransferase targeting cadherins 3; plus strand). Cytogenetic location: 12q21.32.
Variant type: single nucleotide variant.
Coding change: c.2447A>G on transcript NM_181783.4 (MANE Select); coding-DNA position 2447, A replaced by G.
Protein change: p.Asp816Gly; replaces aspartic acid 816 with glycine.
Molecular consequence: missense variant. On other transcripts: non-coding transcript variant (1).
Genome position (GRCh38, 1-based): chr12:88,195,351, A>G. VCF-style: chr12-88195351-A-G. GRCh37 (hg19) VCF-style: chr12-88589128-A-G.
Other names: c.2267A>G, p.Asp756Gly (NM_001366574.1); c.2228A>G, p.Asp743Gly (NM_001366579.1); c.2180A>G, p.Asp727Gly (NM_001366580.1); c.1754A>G, p.Asp585Gly (NM_001366583.1); short protein forms D727G, D756G, D743G, D585G, D816G.
Identifiers: ClinVar variation 1977917 (VCV001977917.5), dbSNP rs2502045891, ClinGen allele CA386120012.